The following is an entry in ClinVar:

ClinVar aggregate classification (germline): Pathogenic. Review status: criteria provided, multiple submitters, no conflicts (2 of 4 stars). 3 submissions from 3 submitters: Pathogenic (3). Last evaluated 2025-04-21.

Conditions:
Familial hypokalemia-hypomagnesemia (GTLMNS). Also called: gitelman syndrome; HYPOMAGNESEMIA-HYPOKALEMIA, PRIMARY RENOTUBULAR, WITH HYPOCALCIURIA; POTASSIUM AND MAGNESIUM DEPLETION. Identifiers: Orphanet 358, MedGen C0268450, MONDO:0009904, OMIM 263800.

Submissions (3):

Natera, Inc.
Classification: Pathogenic for Gitelman syndrome. Last evaluated: 2025-04-21. Review status: criteria provided, single submitter. Criteria: Natera Variant Classification Schema (03/2026). Collection method: clinical testing. Allele origin: germline.
Comment: The c.486_490delTACGGinsA variant in SLC12A3 is a frameshift variant predicted to shift the reading frame beginning at codon 163 and leads to a stop codon 7 codons downstream. This variant is expected to result in nonsense mediated decay, truncation, or a dysfunctional protein product. This variant is rare in the general population with a frequency below the threshold expected for the associated phenotype(s). This variant has been observed in one or more individuals affected with the associated recessive disease, as either homozygous or compound heterozygous with a second variant (PMID: 33996672). Given the available evidence, this variant is classified as Pathogenic.

Labcorp Genetics (formerly Invitae), Labcorp
Classification: Pathogenic. Last evaluated: 2023-11-15. Review status: criteria provided, single submitter. Criteria: Invitae Variant Classification Sherloc (09022015). Collection method: clinical testing. Allele origin: germline.
Comment: This sequence change creates a premature translational stop signal (p.Thr163Profs*7) in the SLC12A3 gene. It is expected to result in an absent or disrupted protein product. Loss-of-function variants in SLC12A3 are known to be pathogenic (PMID: 20848653, 22009145, 25841442). Information on the frequency of this variant in the gnomAD database is not available, as this variant may be reported differently in the database. This premature translational stop signal has been observed in individual(s) with Gitelman syndrome (PMID: 19207868, 30413979, 31398183). This variant is also known as 492_496delTACGGinsA, c.486-490delTACGGinsA, T163fs. ClinVar contains an entry for this variant (Variation ID: 1986765). For these reasons, this variant has been classified as Pathogenic.

Juno Genomics, Hangzhou Juno Genomics, Inc
Classification: Pathogenic for Familial hypokalemia-hypomagnesemia. Review status: criteria provided, single submitter. Criteria: ACMG Guidelines, 2015. Collection method: clinical testing. Allele origin: germline.
Comment: Absent from controls (or at extremely low frequency if recessive) in Genome Aggregation Database.;Null variant in a gene where loss of function (LOF) is a known mechanism of disease.;For recessive disorders, detected in trans with a pathogenic variant.;Patient's phenotype or family history is highly specific for a disease with a single genetic etiology.

Literature cited by the submitters: PubMed 33996672 (cited by Natera, Inc.); PubMed 20848653 (cited by Labcorp Genetics (formerly Invitae), Labcorp); PubMed 22009145 (cited by Labcorp Genetics (formerly Invitae), Labcorp); PubMed 25841442 (cited by Labcorp Genetics (formerly Invitae), Labcorp); PubMed 19207868 (cited by Labcorp Genetics (formerly Invitae), Labcorp); PubMed 30413979 (cited by Labcorp Genetics (formerly Invitae), Labcorp); PubMed 31398183 (cited by Labcorp Genetics (formerly Invitae), Labcorp).

NM_001126108.2(SLC12A3):c.486_490delinsA (p.Thr163fs)

Gene: SLC12A3 (solute carrier family 12 member 3; plus strand). Cytogenetic location: 16q13.
Variant type: Indel.
Coding change: c.486_490delinsA on transcript NM_001126108.2 (MANE Select); coding-DNA positions 486 to 490, TACGG replaced by A.
Protein change: p.Thr163fs; shifts the reading frame from threonine 163.
Molecular consequence: frameshift variant.
Genome position (GRCh38, 1-based): chr16:56,868,353-56,868,357, TACGG replaced by A. VCF-style: chr16-56868353-TACGG-A. GRCh37 (hg19) VCF-style: chr16-56902265-TACGG-A.
Other names: c.486_490delTACGGinsA (NM_000339.2); c.486_490delinsA, p.Thr163fs (NM_000339.3); c.483_487delinsA, p.Thr162fs (NM_001126107.2); c.483_487delTACGGinsA, p.Thr162Profs (NM_001410896.1); short protein forms T163fs, T162fs.
Identifiers: ClinVar variation 2137817 (VCV002137817.6), dbSNP rs2543476044, ClinGen allele CA2580091677.